The following is an entry in ClinVar:

NM_001080414.4(CCDC88C):c.4465C>T (p.Arg1489Ter)

Gene: CCDC88C (coiled-coil and HOOK domain protein 88C; minus strand). Cytogenetic location: 14q32.11.
Variant type: single nucleotide variant.
Coding change: c.4465C>T on transcript NM_001080414.4 (MANE Select); coding-DNA position 4465, C replaced by T.
Protein change: p.Arg1489Ter; replaces arginine 1489 with a stop codon.
Molecular consequence: nonsense.
Genome position (GRCh38, 1-based): chr14:91,283,494, G>A on the plus strand (C>T on the coding strand, the complement: CCDC88C is on the minus strand). VCF-style: chr14-91283494-G-A. GRCh37 (hg19) VCF-style: chr14-91749838-G-A.
Other names: c.4465C>T (NM_001080414.2); short protein forms R1489*.
Identifiers: ClinVar variation 3064826 (VCV003064826.2), dbSNP rs1166040105, ClinGen allele CA390614036.

ClinVar aggregate classification (germline): Conflicting classifications of pathogenicity. Review status: criteria provided, conflicting classifications (1 of 4 stars). 2 submissions from 2 submitters: Pathogenic (1); Uncertain significance (1). Last evaluated 2024-05-03.

Conditions:
Hydrocephalus, nonsyndromic, autosomal recessive 1 (HYC1). Also called: Congenital hydrocephalus 1; Hydrocephalus, nonsyndromic, autosomal recessive. Identifiers: Orphanet 2185, MedGen C3887608, MONDO:0009360, OMIM 236600.

Allele frequency attached by ClinVar (database versions not stated): gnomAD 0.00003.
gnomAD v4.1: 12 of 1,611,342 alleles (0.00074%); highest among the groups gnomAD compares: African/African-American, 0.0027%; no homozygotes.

Submissions (2):

Myriad Genetics, Inc.
Classification: Pathogenic for Hydrocephalus, nonsyndromic, autosomal recessive 1. Last evaluated: 2024-05-03. Review status: criteria provided, single submitter. Criteria: Myriad Autosomal Dominant, Autosomal Recessive and X-Linked Classification Criteria (2023). Collection method: clinical testing. Allele origin: unknown.
Comment: NM_001080414.3(CCDC88C):c.4465C>T(R1489*) is expected to be pathogenic in the context of congenital hydrocephalus, CCDC88C-related. This variant is predicted to lead to an abnormal or absent protein product due to the creation of a premature termination codon in CCDC88C, a gene where loss-of-function variants are known to be pathogenic. Please note: this variant was assessed in the context of healthy population screening.

Genomic Medicine Center of Excellence, King Faisal Specialist Hospital and Research Centre
Classification: Uncertain significance for Hydrocephalus, nonsyndromic, autosomal recessive 1. Last evaluated: 2024-03-25. Review status: criteria provided, single submitter. Criteria: ACMG Guidelines, 2015. Collection method: clinical testing. Allele origin: germline.